The following is an entry in ClinVar:

NM_017617.5(NOTCH1):c.1792C>T (p.His598Tyr)

Gene: NOTCH1 (notch receptor 1; minus strand). Cytogenetic location: 9q34.3.
Variant type: single nucleotide variant.
Coding change: c.1792C>T on transcript NM_017617.5 (MANE Select); coding-DNA position 1792, C replaced by T.
Protein change: p.His598Tyr; replaces histidine 598 with tyrosine.
Molecular consequence: missense variant.
Genome position (GRCh38, 1-based): chr9:136,515,594, G>A on the plus strand (C>T on the coding strand, the complement: NOTCH1 is on the minus strand). VCF-style: chr9-136515594-G-A. GRCh37 (hg19) VCF-style: chr9-139410046-G-A.
Other names: c.1792C>T, p.His598Tyr (LRG_1122t1); short protein forms H598Y.
Identifiers: ClinVar variation 655147 (VCV000655147.8), dbSNP rs1589066307, ClinGen allele CA375559867.

ClinVar aggregate classification (germline): Uncertain significance (1 of 4 stars; one submission).

Conditions:
Adams-Oliver syndrome 5 (AOS5). Identifiers: Orphanet 974, MedGen C4014970, MONDO:0014459, OMIM 616028.

Submission:

Labcorp Genetics (formerly Invitae), Labcorp
Classification: Uncertain significance for Adams-Oliver syndrome 5. Last evaluated: 2018-11-20. Review status: criteria provided, single submitter. Criteria: Invitae Variant Classification Sherloc (09022015). Collection method: clinical testing. Allele origin: germline.
Comment: This sequence change replaces histidine with tyrosine at codon 598 of the NOTCH1 protein (p.His598Tyr). The histidine residue is moderately conserved and there is a moderate physicochemical difference between histidine and tyrosine. This variant is not present in population databases (ExAC no frequency). This variant has not been reported in the literature in individuals with NOTCH1-related disease. Algorithms developed to predict the effect of missense changes on protein structure and function are either unavailable or do not agree on the potential impact of this missense change (SIFT: "Deleterious"; PolyPhen-2: "Possibly Damaging"; Align-GVGD: "Class C0"). In summary, the available evidence is currently insufficient to determine the role of this variant in disease. Therefore, it has been classified as a Variant of Uncertain Significance.